The following is an entry in ClinVar:

ClinVar aggregate classification (germline): Conflicting classifications of pathogenicity. Review status: criteria provided, conflicting classifications (1 of 4 stars). 6 submissions from 5 submitters: Uncertain significance (3); Likely benign (2). 1 of the submissions does not count toward it. Last evaluated 2025-09-06.

Conditions:
NPHP4-related disorder. Also called: NPHP4-related condition; NPHP4-related disorders. Identifiers: MedGen CN239384.
Nephronophthisis. Also called: Juvenile Nephronophthisis. Identifiers: Orphanet 655, MedGen C0687120, MONDO:0019005, HP:0000090.
Nephronophthisis 4 (NPHP4). Also called: NEPHRONOPHTHISIS 4, JUVENILE. Identifiers: Orphanet 655, MedGen C1847013, MONDO:0011752, OMIM 606966.
Senior-Loken syndrome 4 (SLSN4). Identifiers: Orphanet 3156, MedGen C1846979, MONDO:0011756, OMIM 606996.

Allele frequency attached by ClinVar (database versions not stated): gnomAD 0.00005 and 0.00006; TOPMed 0.00006.
gnomAD v4.1: 171 of 1,609,850 alleles (0.011%); highest among the groups gnomAD compares: Non-Finnish European, 0.013%; no homozygotes.

Submissions (6):

Labcorp Genetics (formerly Invitae), Labcorp
Classification: Likely benign for Nephronophthisis. Last evaluated: 2025-09-06. Review status: criteria provided, single submitter. Criteria: Invitae Variant Classification Sherloc (09022015). Collection method: clinical testing. Allele origin: germline.

Blueprint Genetics
Classification: Likely benign. Last evaluated: 2024-07-22. Review status: criteria provided, single submitter. Criteria: ACMG Guidelines, 2015. Collection method: clinical testing. Allele origin: germline.

Illumina Laboratory Services, Illumina
Classification: Uncertain significance for Nephronophthisis 4. Last evaluated: 2018-01-13. Review status: criteria provided, single submitter. Criteria: ICSL Variant Classification Criteria 13 December 2019. Collection method: clinical testing. Allele origin: germline.

Illumina Laboratory Services, Illumina
Classification: Uncertain significance for Senior-Loken syndrome 4. Last evaluated: 2018-01-13. Review status: criteria provided, single submitter. Criteria: ICSL Variant Classification Criteria 13 December 2019. Collection method: clinical testing. Allele origin: germline.

Eurofins Ntd Llc (ga)
Classification: Uncertain significance. Last evaluated: 2015-08-21. Review status: criteria provided, single submitter. Criteria: EGL Classification Definitions 2015. Collection method: clinical testing. Allele origin: germline. Observed: 1 variant allele, 1 heterozygote.

PreventionGenetics, part of Exact Sciences
Classification: Likely benign for NPHP4-related condition. Last evaluated: 2023-12-15. Review status: no assertion criteria provided. Collection method: clinical testing. Allele origin: germline. Not counted in ClinVar's aggregate classification.
Comment: This variant is classified as likely benign based on ACMG/AMP sequence variant interpretation guidelines (Richards et al. 2015 PMID: 25741868, with internal and published modifications).

NM_015102.5(NPHP4):c.3960C>T (p.Leu1320=)

Gene: NPHP4 (nephrocystin 4; minus strand). Cytogenetic location: 1p36.31.
Variant type: single nucleotide variant.
Coding change: c.3960C>T on transcript NM_015102.5 (MANE Select); coding-DNA position 3960, C replaced by T.
Protein change: p.Leu1320=; no amino-acid change (leucine 1320 retained).
Molecular consequence: synonymous variant. On other transcripts: non-coding transcript variant (1).
Genome position (GRCh38, 1-based): chr1:5,864,374, G>A on the plus strand (C>T on the coding strand, the complement: NPHP4 is on the minus strand). VCF-style: chr1-5864374-G-A. GRCh37 (hg19) VCF-style: chr1-5924434-G-A.
Other names: c.2421C>T, p.Leu807= (NM_001291593.2); c.2424C>T, p.Leu808= (NM_001291594.2); c.3960C>T (NM_015102.4).
Identifiers: ClinVar variation 282577 (VCV000282577.20), dbSNP rs778306754, ClinGen allele CA553411.